The following is an entry in ClinVar:

NM_020340.5(ARFGEF3):c.6092A>G (p.Lys2031Arg)

Gene: ARFGEF3 (ARFGEF family member 3; plus strand). Cytogenetic location: 6q24.1.
Variant type: single nucleotide variant.
Coding change: c.6092A>G on transcript NM_020340.5 (MANE Select); coding-DNA position 6092, A replaced by G.
Protein change: p.Lys2031Arg; replaces lysine 2031 with arginine.
Molecular consequence: missense variant.
Genome position (GRCh38, 1-based): chr6:138,334,938, A>G. VCF-style: chr6-138334938-A-G. GRCh37 (hg19) VCF-style: chr6-138656075-A-G.
Other names: short protein forms K2031R.
Identifiers: ClinVar variation 778347 (VCV000778347.6), dbSNP rs35964895, ClinGen allele CA4021729.

ClinVar aggregate classification (germline): Benign. Review status: criteria provided, single submitter (1 of 4 stars). 2 submissions from 2 submitters: Benign (1). 1 of the submissions does not count toward it. Last evaluated 2019-12-31.

Conditions:
ARFGEF3-related disorder. Also called: ARFGEF3-related condition.

Allele frequency attached by ClinVar (database versions not stated): gnomAD exomes 0.00134 and 0.00363; ExAC 0.00654; gnomAD 0.01397 and 0.01488; ESP Exome Variant Server 0.01454; TOPMed 0.01568; 1000 Genomes Project 0.01757; 1000 Genomes Project 30x 0.01889.
gnomAD v4.1: 4,113 of 1,589,386 alleles (0.26%); highest among the groups gnomAD compares: African/African-American, 4.9%; 98 homozygotes.

Submissions (2):

Labcorp Genetics (formerly Invitae), Labcorp
Classification: Benign. Last evaluated: 2019-12-31. Review status: criteria provided, single submitter. Criteria: Invitae Variant Classification Sherloc (09022015). Collection method: clinical testing. Allele origin: germline.

PreventionGenetics, part of Exact Sciences
Classification: Benign for ARFGEF3-related condition. Last evaluated: 2019-03-21. Review status: no assertion criteria provided. Collection method: clinical testing. Allele origin: germline. Not counted in ClinVar's aggregate classification.
Comment: This variant is classified as benign based on ACMG/AMP sequence variant interpretation guidelines (Richards et al. 2015 PMID: 25741868, with internal and published modifications).